The following is an entry in ClinVar:

ClinVar aggregate classification (germline): Uncertain significance. Review status: criteria provided, multiple submitters, no conflicts (2 of 4 stars). 6 submissions from 6 submitters: Uncertain significance (6). Last evaluated 2024-03-07.

Conditions:
Inborn genetic diseases. Identifiers: MedGen C0950123, MeSH D030342.
Developmental and epileptic encephalopathy, 18 (DEE18). Also called: Early infantile epileptic encephalopathy 18. Identifiers: Orphanet 369894, MedGen C3809624, MONDO:0014201, OMIM 615476.

Allele frequency attached by ClinVar (database versions not stated): TOPMed 0.00003; gnomAD 0.00005 and 0.00010; ESP Exome Variant Server 0.00008; 1000 Genomes Project 30x 0.00016; 1000 Genomes Project 0.00020; gnomAD exomes 0.00021; ExAC 0.00023.
gnomAD v4.1: 239 of 1,614,110 alleles (0.015%); highest among the groups gnomAD compares: South Asian, 0.17%; no homozygotes.

Submissions (6):

GeneDx
Classification: Uncertain significance. Last evaluated: 2024-03-07. Review status: criteria provided, single submitter. Criteria: GeneDx Variant Classification Process June 2021. Collection method: clinical testing. Allele origin: germline. Affected: yes.
Comment: In silico analysis supports that this missense variant does not alter protein structure/function; Has not been previously published as pathogenic or benign to our knowledge

Genome-Nilou Lab
Classification: Uncertain significance for Developmental and epileptic encephalopathy, 18. Last evaluated: 2023-04-11. Review status: criteria provided, single submitter. Criteria: ACMG Guidelines, 2015. Collection method: clinical testing. Allele origin: germline. Affected: no.

Labcorp Genetics (formerly Invitae), Labcorp
Classification: Uncertain significance. Last evaluated: 2022-08-10. Review status: criteria provided, single submitter. Criteria: Invitae Variant Classification Sherloc (09022015). Collection method: clinical testing. Allele origin: germline.
Comment: This sequence change replaces proline, which is neutral and non-polar, with alanine, which is neutral and non-polar, at codon 1218 of the SZT2 protein (p.Pro1218Ala). This variant is present in population databases (rs200612162, gnomAD 0.2%). This variant has not been reported in the literature in individuals affected with SZT2-related conditions. ClinVar contains an entry for this variant (Variation ID: 656800). Algorithms developed to predict the effect of missense changes on protein structure and function are either unavailable or do not agree on the potential impact of this missense change (SIFT: "Deleterious"; PolyPhen-2: "Benign"; Align-GVGD: "Class C0"). In summary, the available evidence is currently insufficient to determine the role of this variant in disease. Therefore, it has been classified as a Variant of Uncertain Significance.

Mayo Clinic Laboratories, Mayo Clinic
Classification: Uncertain significance. Last evaluated: 2021-07-21. Review status: criteria provided, single submitter. Criteria: ACMG Guidelines, 2015. Collection method: clinical testing. Allele origin: germline.

CeGaT Center for Human Genetics Tuebingen
Classification: Uncertain significance. Last evaluated: 2019-05-01. Review status: criteria provided, single submitter. Criteria: CeGaT Center For Human Genetics Tuebingen Variant Classification Criteria Version 2. Collection method: clinical testing. Allele origin: germline. Affected: yes. Observed: 1 variant allele.

Ambry Genetics
Classification: Uncertain significance for Inborn genetic diseases. Last evaluated: 2018-02-28. Review status: criteria provided, single submitter. Criteria: Ambry Variant Classification Scheme 2023. Collection method: clinical testing. Allele origin: germline.
Comment: The p.P1218A variant (also known as c.3652C>G), located in coding exon 26 of the SZT2 gene, results from a C to G substitution at nucleotide position 3652. The proline at codon 1218 is replaced by alanine, an amino acid with highly similar properties. This amino acid position is well conserved in available vertebrate species. In addition, this alteration is predicted to be tolerated by in silico analysis. Since supporting evidence is limited at this time, the clinical significance of this alteration remains unclear.

NM_001365999.1(SZT2):c.3823C>G (p.Pro1275Ala)

Gene: SZT2 (SZT2 subunit of KICSTOR complex; plus strand). Cytogenetic location: 1p34.2.
Variant type: single nucleotide variant.
Coding change: c.3823C>G on transcript NM_001365999.1 (MANE Select); coding-DNA position 3823, C replaced by G.
Protein change: p.Pro1275Ala; replaces proline 1275 with alanine.
Molecular consequence: missense variant.
Genome position (GRCh38, 1-based): chr1:43,428,022, C>G. VCF-style: chr1-43428022-C-G. GRCh37 (hg19) VCF-style: chr1-43893693-C-G.
Other names: p.Pro1218Ala; c.3652C>G, p.Pro1218Ala (NM_015284.4); short protein forms P1218A, P1275A.
Identifiers: ClinVar variation 656800 (VCV000656800.53), dbSNP rs200612162, ClinGen allele CA809116.